The following is an entry in ClinVar:

ClinVar aggregate classification (germline): Uncertain significance. Review status: criteria provided, multiple submitters, no conflicts (2 of 4 stars). 2 submissions from 2 submitters: Uncertain significance (2). Last evaluated 2025-09-11.

Conditions:
Cardiovascular phenotype. Identifiers: MedGen CN230736.

Allele frequency attached by ClinVar (database versions not stated): gnomAD exomes 0.00002; ExAC 0.00005; ESP Exome Variant Server 0.00015; 1000 Genomes Project 30x 0.00016; 1000 Genomes Project 0.00020; gnomAD 0.00020; TOPMed 0.00020.
gnomAD v4.1: 56 of 1,613,644 alleles (0.0035%); highest among the groups gnomAD compares: African/African-American, 0.063%; no homozygotes.

Submissions (2):

GeneDx
Classification: Uncertain significance. Last evaluated: 2025-09-11. Review status: criteria provided, single submitter. Criteria: GeneDx Variant Classification Process June 2021. Collection method: clinical testing. Allele origin: germline.
Comment: In silico analysis supports that this missense variant has a deleterious effect on protein structure/function; Has not been previously published as pathogenic or benign to our knowledge

Ambry Genetics
Classification: Uncertain significance for Cardiovascular phenotype. Last evaluated: 2024-08-19. Review status: criteria provided, single submitter. Criteria: Ambry Variant Classification Scheme 2023. Collection method: clinical testing. Allele origin: germline.
Comment: The p.E61V variant (also known as c.182A>T), located in coding exon 1 of the TECRL gene, results from an A to T substitution at nucleotide position 182. The glutamic acid at codon 61 is replaced by valine, an amino acid with dissimilar properties. This amino acid position is highly conserved in available vertebrate species. In addition, the in silico prediction for this alteration is inconclusive. Since supporting evidence is limited at this time, the clinical significance of this alteration remains unclear.

NM_001010874.5(TECRL):c.182A>T (p.Glu61Val)

Gene: TECRL (trans-2,3-enoyl-CoA reductase like; minus strand). Cytogenetic location: 4q13.1.
Variant type: single nucleotide variant.
Coding change: c.182A>T on transcript NM_001010874.5 (MANE Select); coding-DNA position 182, A replaced by T.
Protein change: p.Glu61Val; replaces glutamic acid 61 with valine.
Molecular consequence: missense variant.
Genome position (GRCh38, 1-based): chr4:64,409,170, T>A on the plus strand (A>T on the coding strand, the complement: TECRL is on the minus strand). VCF-style: chr4-64409170-T-A. GRCh37 (hg19) VCF-style: chr4-65274888-T-A.
Other names: c.182A>T, p.Glu61Val (NM_001363796.1); short protein forms E61V.
Identifiers: ClinVar variation 1780912 (VCV001780912.5), dbSNP rs200634401, ClinGen allele CA2935676.